The following is an entry in ClinVar:

ClinVar aggregate classification (germline): Pathogenic/Likely pathogenic. Review status: criteria provided, multiple submitters, no conflicts (2 of 4 stars). 3 submissions from 3 submitters: Pathogenic (1); Likely pathogenic (1). 1 of the submissions does not count toward it. Last evaluated 2023-12-13.

Conditions:
Premature menopause. Identifiers: MedGen C0025322, MONDO:0001119.
Microcephaly, normal intelligence and immunodeficiency (NBS). Also called: IMMUNODEFICIENCY, MICROCEPHALY, AND CHROMOSOMAL INSTABILITY; SEEMANOVA SYNDROME II; Immunodeficiency, microcephaly with normal intelligence; Ataxia telangiectasia variant V1; Nijmegen breakage syndrome; Microcephaly with normal intelligence immunodeficiency and lymphoreticular malignancies. Identifiers: Orphanet 647, MedGen C0398791, MONDO:0009623, OMIM 251260.

Allele frequency attached by ClinVar (database versions not stated): gnomAD exomes below 0.00001.

Submissions (3):

GeneDx
Classification: Likely pathogenic. Last evaluated: 2023-12-13. Review status: criteria provided, single submitter. Criteria: GeneDx Variant Classification Process June 2021. Collection method: clinical testing. Allele origin: germline. Affected: yes.
Comment: Nonsense variant predicted to result in protein truncation and published RT-PCR studies suggest that transcripts produced with this variant may at least partially escape nonsense mediated decay (PMID: 29706645); Not observed at significant frequency in large population cohorts (gnomAD); Also known as c.625C>T; p.Q209*; This variant is associated with the following publications: (PMID: 9590180, 16415040, 24894818, 29706645, 35066699, IkbalAtliE2020[preprint], 31729086)

Labcorp Genetics (formerly Invitae), Labcorp
Classification: Pathogenic for Microcephaly, normal intelligence and immunodeficiency. Last evaluated: 2023-09-08. Review status: criteria provided, single submitter. Criteria: Invitae Variant Classification Sherloc (09022015). Collection method: clinical testing. Allele origin: germline.
Comment: For these reasons, this variant has been classified as Pathogenic. ClinVar contains an entry for this variant (Variation ID: 495048). This premature translational stop signal has been observed in individual(s) with premature ovarian insufficiency (PMID: 29706645). This variant is not present in population databases (gnomAD no frequency). This sequence change creates a premature translational stop signal (p.Gln291*) in the NBN gene. It is expected to result in an absent or disrupted protein product. Loss-of-function variants in NBN are known to be pathogenic (PMID: 9590180, 16415040).

Reproductive Development, Murdoch Childrens Research Institute
Classification: Pathogenic for Premature ovarian insufficiency. Last evaluated: 2017-01-15. Review status: no assertion criteria provided. Collection method: research. Allele origin: germline, unknown. Affected: yes and no. Observed: 1 heterozygote, 1 homozygote. Not counted in ClinVar's aggregate classification.

Literature cited by the submitters: PubMed 29706645 (cited by Labcorp Genetics (formerly Invitae), Labcorp and Reproductive Development, Murdoch Childrens Research Institute); PubMed 9590180 (cited by Labcorp Genetics (formerly Invitae), Labcorp); PubMed 16415040 (cited by Labcorp Genetics (formerly Invitae), Labcorp).

NM_002485.5(NBN):c.871C>T (p.Gln291Ter)

Gene: NBN (nibrin; minus strand). Cytogenetic location: 8q21.3.
Variant type: single nucleotide variant.
Coding change: c.871C>T on transcript NM_002485.5 (MANE Select); coding-DNA position 871, C replaced by T.
Protein change: p.Gln291Ter; replaces glutamine 291 with a stop codon.
Molecular consequence: nonsense.
Genome position (GRCh38, 1-based): chr8:89,970,389, G>A on the plus strand (C>T on the coding strand, the complement: NBN is on the minus strand). VCF-style: chr8-89970389-G-A. GRCh37 (hg19) VCF-style: chr8-90982617-G-A.
Other names: c.625C>T, p.Gln209Ter (NM_001024688.3); short protein forms Q291*, Q209*.
Identifiers: ClinVar variation 495048 (VCV000495048.8), dbSNP rs1554563822, ClinGen allele CA371658288.
Genomic context (GRCh38, chr8:89,970,389, plus strand): 5'-TTGCAGTTTTTTACTAATAAAGAATAATTCTATACCTTTGGAGCATATCCATTATTGACT[G>A]AATCCATTTCTTCTGACAGTCAGGAATTAAGGTCTGTGAGTTTGTTATTCCTGTATCAAC-3'